The following is an entry in ClinVar:

NM_000304.4(PMP22):c.268C>G (p.Leu90Val)

Gene: PMP22 (peripheral myelin protein 22; minus strand). Cytogenetic location: 17p12.
Variant type: single nucleotide variant.
Coding change: c.268C>G on transcript NM_000304.4 (MANE Select); coding-DNA position 268, C replaced by G.
Protein change: p.Leu90Val; replaces leucine 90 with valine.
Molecular consequence: missense variant. On other transcripts: non-coding transcript variant (2).
Genome position (GRCh38, 1-based): chr17:15,239,522, G>C on the plus strand (C>G on the coding strand, the complement: PMP22 is on the minus strand). VCF-style: chr17-15239522-G-C. GRCh37 (hg19) VCF-style: chr17-15142839-G-C.
Other names: c.268C>G, p.Leu90Val (NM_001281455.2, NM_001281456.2, NM_001330143.2 and 2 more transcripts); short protein forms L90V.
Identifiers: ClinVar variation 642666 (VCV000642666.8), dbSNP rs147114400, ClinGen allele CA8403375.

ClinVar aggregate classification (germline): Benign/Likely benign. Review status: criteria provided, multiple submitters, no conflicts (2 of 4 stars). 3 submissions from 3 submitters: Benign (1); Likely benign (2). Last evaluated 2025-09-11.

Conditions:
Inborn genetic diseases. Identifiers: MedGen C0950123, MeSH D030342.
Charcot-Marie-Tooth disease, type I (CMT1). Also called: Charcot-Marie-Tooth, Type 1; Charcot-Marie-Tooth disease type 1. Identifiers: Orphanet 65753, MedGen C0751036, MONDO:0019011.

Allele frequency attached by ClinVar (database versions not stated): gnomAD exomes 0.00003 and 0.00005; ExAC 0.00006; gnomAD 0.00017 and 0.00020; TOPMed 0.00018; ESP Exome Variant Server 0.00023.
gnomAD v4.1: 67 of 1,613,994 alleles (0.0042%); highest among the groups gnomAD compares: African/African-American, 0.087%; no homozygotes.

Submissions (3):

Women's Health and Genetics/Laboratory Corporation of America, LabCorp
Classification: Likely benign. Last evaluated: 2025-09-11. Review status: criteria provided, single submitter. Criteria: LabCorp Variant Classification Summary - May 2015. Collection method: clinical testing. Allele origin: germline.
Comment: Variant summary: PMP22 c.268C>G (p.Leu90Val) results in a conservative amino acid change in the encoded protein sequence. Algorithms developed to predict the effect of missense changes on protein structure and function are either unavailable or do not agree on the potential impact of this missense change. The variant allele was found at a frequency of 4.8e-05 in 251468 control chromosomes, predominantly at a frequency of 0.00068 within the African or African-American subpopulation in the gnomAD database. The observed variant frequency within African or African-American control individuals in the gnomAD database exceeds the estimated maximal expected allele frequency for disease-causing variants in PMP22. To our knowledge, no occurrence of c.268C>G in individuals affected with PMP22-related conditions and no experimental evidence demonstrating its impact on protein function have been reported. ClinVar contains an entry for this variant (Variation ID: 642666). Based on the evidence outlined above, the variant was classified as likely benign.

Labcorp Genetics (formerly Invitae), Labcorp
Classification: Likely benign for Charcot-Marie-Tooth disease, type I. Last evaluated: 2025-03-25. Review status: criteria provided, single submitter. Criteria: Invitae Variant Classification Sherloc (09022015). Collection method: clinical testing. Allele origin: germline.

Ambry Genetics
Classification: Benign for Inborn genetic diseases. Last evaluated: 2021-12-13. Review status: criteria provided, single submitter. Criteria: Ambry Variant Classification Scheme 2023. Collection method: clinical testing. Allele origin: germline.